The following is an entry in ClinVar:

ClinVar aggregate classification (germline): Uncertain significance (1 of 4 stars; one submission).

Conditions:
NBEA-related intellectual disability.

gnomAD v4.1: 1 of 1,610,278 alleles (0.000062%); no homozygotes.

Submission:

Illumina Laboratory Services, Illumina
Classification: Uncertain significance for NBEA-related intellectual disability. Last evaluated: 2019-01-16. Review status: criteria provided, single submitter. Criteria: ICSLVariantClassificationCriteria RUGD 01 April 2020. Collection method: clinical testing. Allele origin: unknown.
Comment: The NBEA c.539A>G (p.Asp180Gly) variant is a missense variant. A literature search was performed for the gene, cDNA change, and amino acid change. No publications were found based on this search. This variant is not found in the Genome Aggregation Database in a region of good sequence coverage so the variant is presumed to be rare. Based on the limited evidence, the p.Asp180Gly variant is classified as a variant of uncertain significance for NBEA-related intellectual disability.

NM_001385012.1(NBEA):c.539A>G (p.Asp180Gly)

Gene: NBEA (neurobeachin; plus strand). Cytogenetic location: 13q13.3.
Variant type: single nucleotide variant.
Coding change: c.539A>G on transcript NM_001385012.1 (MANE Select); coding-DNA position 539, A replaced by G.
Protein change: p.Asp180Gly; replaces aspartic acid 180 with glycine.
Molecular consequence: missense variant.
Genome position (GRCh38, 1-based): chr13:35,044,959, A>G. VCF-style: chr13-35044959-A-G. GRCh37 (hg19) VCF-style: chr13-35619096-A-G.
Other names: c.539A>G, p.Asp180Gly (NM_001379245.1, NM_015678.5); short protein forms D180G.
Identifiers: ClinVar variation 989301 (VCV000989301.4), dbSNP rs2062794117, ClinGen allele CA387959146.